The following is an entry in ClinVar:

NM_001127208.3(TET2):c.682A>G (p.Lys228Glu)

Genes: TET2 (tet methylcytosine dioxygenase 2; plus strand), TET2-AS1 (TET2 antisense RNA 1; minus strand). Cytogenetic location: 4q24.
Variant type: single nucleotide variant.
Coding change: c.682A>G on transcript NM_001127208.3 (MANE Select); coding-DNA position 682, A replaced by G.
Protein change: p.Lys228Glu; replaces lysine 228 with glutamic acid.
Molecular consequence: missense variant.
Genome position (GRCh38, 1-based): chr4:105,234,624, A>G. VCF-style: chr4-105234624-A-G. GRCh37 (hg19) VCF-style: chr4-106155781-A-G.
Other names: c.682A>G, p.Lys228Glu (NM_017628.4); short protein forms K228E.
Identifiers: ClinVar variation 4824994 (VCV004824994.1).

ClinVar aggregate classification (germline): Uncertain significance (1 of 4 stars; one submission).

Submission:

Ambry Genetics
Classification: Uncertain significance. Last evaluated: 2026-01-18. Review status: criteria provided, single submitter. Criteria: Ambry Variant Classification Scheme 2023. Collection method: clinical testing. Allele origin: germline.
Comment: The p.K228E variant (also known as c.682A>G), located in coding exon 1 of the TET2 gene, results from an A to G substitution at nucleotide position 682. The lysine at codon 228 is replaced by glutamic acid, an amino acid with similar properties. This amino acid position is conserved. In addition, the in silico prediction for this alteration is inconclusive. Based on the available evidence, the clinical significance of this variant remains unclear.